The following is an entry in ClinVar:

NM_201384.3(PLEC):c.7511A>G (p.Gln2504Arg)

Gene: PLEC (plectin; minus strand). Cytogenetic location: 8q24.3.
Variant type: single nucleotide variant.
Coding change: c.7511A>G on transcript NM_201384.3 (MANE Select); coding-DNA position 7511, A replaced by G.
Protein change: p.Gln2504Arg; replaces glutamine 2504 with arginine.
Molecular consequence: missense variant.
Genome position (GRCh38, 1-based): chr8:143,922,310, T>C on the plus strand (A>G on the coding strand, the complement: PLEC is on the minus strand). VCF-style: chr8-143922310-T-C. GRCh37 (hg19) VCF-style: chr8-144996478-T-C.
Other names: c.7511A>G, p.Gln2504Arg (NM_201382.4); c.7523A>G, p.Gln2508Arg (NM_201383.3); c.7592A>G, p.Gln2531Arg (NM_000445.5); c.4211A>G, p.Gln1404Arg (NM_001410941.1); c.7469A>G, p.Gln2490Arg (NM_201378.4); c.7445A>G, p.Gln2482Arg (NM_201379.3); c.7922A>G, p.Gln2641Arg (NM_201380.4); c.7415A>G, p.Gln2472Arg (NM_201381.3); short protein forms Q2482R, Q2508R, Q2490R, Q2472R, Q2531R, Q1404R, Q2504R, Q2641R.
Identifiers: ClinVar variation 1933696 (VCV001933696.5), dbSNP rs1554689299, ClinGen allele CA372524805.

ClinVar aggregate classification (germline): Uncertain significance (1 of 4 stars; one submission).

Conditions:
Epidermolysis bullosa simplex with nail dystrophy (EBS5D). Identifiers: MedGen C4225309, MONDO:0014661, OMIM 616487.
Epidermolysis bullosa simplex 5B, with muscular dystrophy (EBS5B). Also called: Epidermolysis bullosa simplex with muscular dystrophy; EPIDERMOLYSIS BULLOSA SIMPLEX AND LIMB-GIRDLE MUSCULAR DYSTROPHY. Identifiers: Orphanet 257, MedGen C2931072, MONDO:0009181, OMIM 226670.
Epidermolysis bullosa simplex, Ogna type (EBS5A). Also called: EPIDERMOLYSIS BULLOSA SIMPLEX 5A, OGNA TYPE; Pidermolysis bullosa simplex 5A, Ogna type. Identifiers: Orphanet 79401, MedGen C0432317, MONDO:0007555, OMIM 131950.
Epidermolysis bullosa simplex 5C, with pyloric atresia (EBS5C). Also called: PLEC-Related Epidermolysis Bullosa with Pyloric Atresia; Epidermolysis bullosa simplex with pyloric atresia; PLEC1-Related Epidermolysis Bullosa with Pyloric Atresia. Identifiers: Orphanet 158684, MedGen C2677349, MONDO:0012807, OMIM 612138.
Autosomal recessive limb-girdle muscular dystrophy type 2Q (LGMDR17). Also called: MUSCULAR DYSTROPHY, LIMB-GIRDLE, AUTOSOMAL RECESSIVE 17. Identifiers: Orphanet 254361, MedGen C3150989, MONDO:0013390, OMIM 613723.

Allele frequency attached by ClinVar (database versions not stated): gnomAD exomes below 0.00001.
gnomAD v4.1: 3 of 1,607,650 alleles (0.00019%); highest among the groups gnomAD compares: Middle Eastern, 0.033%; no homozygotes.

Submission:

Labcorp Genetics (formerly Invitae), Labcorp
Classification: Uncertain significance for Autosomal recessive limb-girdle muscular dystrophy type 2Q; Epidermolysis bullosa simplex, Ogna type; Epidermolysis bullosa simplex with nail dystrophy; Epidermolysis bullosa simplex 5C, with pyloric atresia; Epidermolysis bullosa simplex 5B, with muscular dystrophy. Last evaluated: 2022-02-25. Review status: criteria provided, single submitter. Criteria: Invitae Variant Classification Sherloc (09022015). Collection method: clinical testing. Allele origin: germline.
Comment: This sequence change replaces glutamine, which is neutral and polar, with arginine, which is basic and polar, at codon 2531 of the PLEC protein (p.Gln2531Arg). This variant is not present in population databases (gnomAD no frequency). This variant has not been reported in the literature in individuals affected with PLEC-related conditions. Algorithms developed to predict the effect of missense changes on protein structure and function are either unavailable or do not agree on the potential impact of this missense change (SIFT: "Tolerated"; PolyPhen-2: "Possibly Damaging"; Align-GVGD: "Class C0"). In summary, the available evidence is currently insufficient to determine the role of this variant in disease. Therefore, it has been classified as a Variant of Uncertain Significance.